The following is an entry in ClinVar:

NM_004082.5(DCTN1):c.1745A>G (p.Asn582Ser)

Gene: DCTN1 (dynactin subunit 1; minus strand). Cytogenetic location: 2p13.1.
Variant type: single nucleotide variant.
Coding change: c.1745A>G on transcript NM_004082.5 (MANE Select); coding-DNA position 1745, A replaced by G.
Protein change: p.Asn582Ser; replaces asparagine 582 with serine.
Molecular consequence: missense variant. On other transcripts: non-coding transcript variant (1).
Genome position (GRCh38, 1-based): chr2:74,368,837, T>C on the plus strand (A>G on the coding strand, the complement: DCTN1 is on the minus strand). VCF-style: chr2-74368837-T-C. GRCh37 (hg19) VCF-style: chr2-74595964-T-C.
Other names: c.1676A>G, p.Asn559Ser (NM_001378992.1); c.1343A>G, p.Asn448Ser (NM_023019.4, NM_001135041.3); c.1685A>G, p.Asn562Ser (NM_001135040.3); c.1634A>G, p.Asn545Ser (NM_001190836.2); c.1724A>G, p.Asn575Ser (NM_001190837.2); c.1694A>G, p.Asn565Ser (NM_001378991.1); short protein forms N562S, N545S, N565S, N448S, N575S, N559S, N582S.
Identifiers: ClinVar variation 4791714 (VCV004791714.1).

ClinVar aggregate classification (germline): Uncertain significance (1 of 4 stars; one submission).

Conditions:
Amyotrophic lateral sclerosis type 1 (ALS1). Also called: AMYOTROPHIC LATERAL SCLEROSIS 1, FAMILIAL. Identifiers: Orphanet 803, MedGen C1862939, MONDO:0007103, OMIM 105400.
Neuronopathy, distal hereditary motor, type 7B. Also called: HMN VIIB; LOWER MOTOR NEURON DISEASE, DYNACTIN TYPE; NEURONOPATHY, DISTAL HEREDITARY MOTOR, AUTOSOMAL DOMINANT 14; NEURONOPATHY, DISTAL HEREDITARY MOTOR, HARDING TYPE VIIB; NEUROPATHY, DISTAL HEREDITARY MOTOR, HARDING TYPE VIIB; NEUROPATHY, DISTAL HEREDITARY MOTOR, WITH VOCAL CORD PARALYSIS, HARDING TYPE VIIB. Identifiers: Orphanet 139589, MedGen C1843315, MONDO:0011879, OMIM 607641.
Perry syndrome. Also called: PARKINSONISM WITH ALVEOLAR HYPOVENTILATION AND MENTAL DEPRESSION. Identifiers: Orphanet 178509, MedGen C1868594, MONDO:0008201, OMIM 168605.

Submission:

Labcorp Genetics (formerly Invitae), Labcorp
Classification: Uncertain significance for Amyotrophic lateral sclerosis type 1; Neuronopathy, distal hereditary motor, type 7B; Perry syndrome. Last evaluated: 2025-12-23. Review status: criteria provided, single submitter. Criteria: Invitae Variant Classification Sherloc (09022015). Collection method: clinical testing. Allele origin: germline.
Comment: This sequence change replaces asparagine, which is neutral and polar, with serine, which is neutral and polar, at codon 582 of the DCTN1 protein (p.Asn582Ser). This variant is present in population databases (no rsID available, gnomAD 0.007%). This variant has not been reported in the literature in individuals affected with DCTN1-related conditions. Invitae Evidence Modeling of protein sequence and biophysical properties (such as structural, functional, and spatial information, amino acid conservation, physicochemical variation, residue mobility, and thermodynamic stability) indicates that this missense variant is not expected to disrupt DCTN1 protein function with a negative predictive value of 95%. In summary, the available evidence is currently insufficient to determine the role of this variant in disease. Therefore, it has been classified as a Variant of Uncertain Significance.